The following is an entry in ClinVar:

NM_024675.4(PALB2):c.284dup (p.Thr96fs)

Gene: PALB2 (partner and localizer of BRCA2; minus strand). Cytogenetic location: 16p12.2.
Variant type: Duplication.
Coding change: c.284dup on transcript NM_024675.4 (MANE Select); coding-DNA position 284, one base duplicated (A; older notation c.284dupA).
Protein change: p.Thr96fs; shifts the reading frame from threonine 96.
Molecular consequence: frameshift variant.
Genome position (GRCh38, 1-based): chr16:23,636,262, T duplicated on the plus strand (A on the coding strand, the reverse complement: PALB2 is on the minus strand); the first of 4 consecutive T bases (chr16:23,636,262-23,636,265); duplicating any one gives the same sequence. VCF-style (leftmost placement, unchanged base first): chr16-23636261-C-CT. GRCh37 (hg19) VCF-style: chr16-23647582-C-CT.
Other names: c.284dupA (NM_024675.3); short protein forms T96fs.
Identifiers: ClinVar variation 410175 (VCV000410175.7), dbSNP rs1555461846, ClinGen allele CA16614875.
Genomic context (GRCh38, chr16:23,636,261, plus strand): 5'-TCCTCCTGGGCCATCTCCAGGGTTAAAGGACTCAGGCCCAACATCAAGTGTGATAGATGT[C>CT]TTTTCTCCAGTTTCTTCATCAAGATGGGTTTTGATGTGTAACTTGTCATAAACACATATT-3'

ClinVar aggregate classification (germline): Pathogenic (1 of 4 stars; one submission).

Conditions:
Familial cancer of breast. Also called: BREAST CANCER, FAMILIAL; Hereditary breast cancer; hereditary breast carcinoma. Identifiers: Orphanet 227535, MedGen C0346153, MONDO:0016419, OMIM 114480. Disease mechanism: loss of function.

Submission:

Labcorp Genetics (formerly Invitae), Labcorp
Classification: Pathogenic for Familial cancer of breast. Last evaluated: 2016-07-16. Review status: criteria provided, single submitter. Criteria: Invitae Variant Classification Sherloc (09022015). Collection method: clinical testing. Allele origin: germline.
Comment: For these reasons, this variant has been classified as Pathogenic. While this particular variant has not been reported in the literature, loss-of-function variants in PALB2 are known to be pathogenic (PMID:25099575, 17200668). This sequence change duplicates 1 nucleotide in exon 4 of the PALB2 mRNA (c.284dupA), causing a frameshift at codon 96. This creates a premature translational stop signal (p.Thr96Aspfs*6) and is expected to result in an absent or disrupted protein product.

Literature cited by the submitters: PubMed 25099575; PubMed 17200668.